The following is an entry in ClinVar:

NM_000455.5(STK11):c.291-17T>C

Gene: STK11 (serine/threonine kinase 11; plus strand). Cytogenetic location: 19p13.3.
Variant type: single nucleotide variant.
Coding change: c.291-17T>C on transcript NM_000455.5 (MANE Select); 17 bases into the intron before coding-DNA position 291, T replaced by C.
Molecular consequence: intron variant.
Genome position (GRCh38, 1-based): chr19:1,218,400, T>C. VCF-style: chr19-1218400-T-C. GRCh37 (hg19) VCF-style: chr19-1218399-T-C.
Identifiers: ClinVar variation 1647176 (VCV001647176.9), dbSNP rs367843248, ClinGen allele CA304024152.

ClinVar aggregate classification (germline): Likely benign. Review status: criteria provided, multiple submitters, no conflicts (2 of 4 stars). 2 submissions from 2 submitters: Likely benign (2). Last evaluated 2026-01-01.

Conditions:
Peutz-Jeghers syndrome (PJS). Also called: Peutz-Jeghers polyposis; Periorificial lentiginosis syndrome; POLYPOSIS, HAMARTOMATOUS INTESTINAL; POLYPS-AND-SPOTS SYNDROME. Identifiers: Orphanet 2869, MedGen C0031269, MeSH D010580, MONDO:0008280, OMIM 175200.

Allele frequency attached by ClinVar (database versions not stated): gnomAD exomes below 0.00001; TOPMed below 0.00001; ESP Exome Variant Server 0.00008.
gnomAD v4.1: 5 of 1,610,420 alleles (0.00031%); highest among the groups gnomAD compares: Admixed American, 0.0017%; no homozygotes.

Submissions (2):

Labcorp Genetics (formerly Invitae), Labcorp
Classification: Likely benign for Peutz-Jeghers syndrome. Last evaluated: 2026-01-01. Review status: criteria provided, single submitter. Criteria: Invitae Variant Classification Sherloc (09022015). Collection method: clinical testing. Allele origin: germline.

Myriad Genetics, Inc.
Classification: Likely benign for Peutz-Jeghers syndrome. Last evaluated: 2025-03-25. Review status: criteria provided, single submitter. Criteria: Myriad Autosomal Dominant, Autosomal Recessive and X-Linked Classification Criteria (2023). Collection method: clinical testing. Allele origin: unknown.
Comment: This variant is considered likely benign. This variant is intronic and is not expected to impact mRNA splicing.